The following is an entry in ClinVar:

ClinVar aggregate classification (germline): Pathogenic/Likely pathogenic. Review status: criteria provided, multiple submitters, no conflicts (2 of 4 stars). 4 submissions from 4 submitters: Pathogenic (1); Likely pathogenic (2). 1 of the submissions does not count toward it. Last evaluated 2025-04-10.

Conditions:
Finnish congenital nephrotic syndrome (NPHS1). Also called: NEPHROTIC SYNDROME, TYPE 1. Identifiers: Orphanet 839, MedGen C0403399, MONDO:0009732, OMIM 256300.

Submissions (4):

Natera, Inc.
Classification: Likely pathogenic for Finnish congenital nephrotic syndrome. Last evaluated: 2025-04-10. Review status: criteria provided, single submitter. Criteria: Natera Variant Classification Schema (03/2026). Collection method: clinical testing. Allele origin: germline.
Comment: The c.1745del variant in NPHS1 is a frameshift variant predicted to shift the reading frame beginning at codon 582 and leads to a stop codon 40 codons downstream. This variant is expected to result in nonsense mediated decay, truncation, or a dysfunctional protein product. This variant is rare in the general population with a frequency below the threshold expected for the associated phenotype(s). Given the available evidence, this variant is classified as Likely Pathogenic.

Fulgent Genetics
Classification: Likely pathogenic for Finnish congenital nephrotic syndrome. Last evaluated: 2022-01-10. Review status: criteria provided, single submitter. Criteria: ACMG Guidelines, 2015. Collection method: clinical testing. Allele origin: unknown.

Labcorp Genetics (formerly Invitae), Labcorp
Classification: Pathogenic. Last evaluated: 2020-06-28. Review status: criteria provided, single submitter. Criteria: Invitae Variant Classification Sherloc (09022015). Collection method: clinical testing. Allele origin: germline.
Comment: This sequence change creates a premature translational stop signal (p.Lys582Argfs*40) in the NPHS1 gene. It is expected to result in an absent or disrupted protein product. This variant is not present in population databases (ExAC no frequency). For these reasons, this variant has been classified as Pathogenic. Loss-of-function variants in NPHS1 are known to be pathogenic (PMID: 11317351, 11854170, 12039988). Algorithms developed to predict the effect of sequence changes on RNA splicing suggest that this variant may create or strengthen a splice site, but this prediction has not been confirmed by published transcriptional studies. This variant has not been reported in the literature in individuals with NPHS1-related conditions. ClinVar contains an entry for this variant (Variation ID: 371117).

Counsyl
Classification: Likely pathogenic for Finnish congenital nephrotic syndrome. Last evaluated: 2016-07-07. Review status: no assertion criteria provided. Collection method: clinical testing. Allele origin: unknown. Not counted in ClinVar's aggregate classification.

Literature cited by the submitters: PubMed 11317351 (cited by Labcorp Genetics (formerly Invitae), Labcorp); PubMed 11854170 (cited by Labcorp Genetics (formerly Invitae), Labcorp); PubMed 12039988 (cited by Labcorp Genetics (formerly Invitae), Labcorp).

NM_004646.4(NPHS1):c.1745del (p.Lys582fs)

Gene: NPHS1 (NPHS1 adhesion molecule, nephrin; minus strand). Cytogenetic location: 19q13.12.
Variant type: Deletion.
Coding change: c.1745del on transcript NM_004646.4 (MANE Select); coding-DNA position 1745, one base deleted (A; older notation c.1745delA).
Protein change: p.Lys582fs; shifts the reading frame from lysine 582.
Molecular consequence: frameshift variant.
Genome position (GRCh38, 1-based): chr19:35,845,681, T deleted on the plus strand (A on the coding strand, the reverse complement: NPHS1 is on the minus strand); the first of 2 consecutive T bases (chr19:35,845,681-35,845,682); deleting either gives the same sequence. VCF-style (leftmost placement, unchanged base first): chr19-35845680-CT-C. GRCh37 (hg19) VCF-style: chr19-36336582-CT-C.
Other names: c.1745delA (NM_004646.3); c.1745del (NM_004646.3); short protein forms K582fs.
Identifiers: ClinVar variation 371117 (VCV000371117.12), dbSNP rs1057517021, ClinGen allele CA16041978.
Genomic context (GRCh38, chr19:35,845,680, plus strand): 5'-GAGGGGGCGAGGCCAGACCAGAGAGGGGAGGGATCCCTCGCACTCCCACCTCTCCCCTTC[CT>C]TGTCCCAGGACAAGTTGACCGGCGGATTGCTGCTGACGCTGACGCATGTCAAGTTTAAGG-3'